The following is an entry in ClinVar:

ClinVar aggregate classification (germline): Benign. Review status: criteria provided, multiple submitters, no conflicts (2 of 4 stars). 5 submissions from 3 submitters: Benign (5). Last evaluated 2021-12-05.

Conditions:
ANO5-Related Muscle Diseases. Identifiers: MedGen CN180644.
Miyoshi muscular dystrophy 3 (MMD3). Also called: Miyoshi Muscular Dystrophy 3 (MMD3); Miyoshi myopathy 3. Identifiers: Orphanet 399096, MedGen C2750076, MONDO:0013222, OMIM 613319.
Gnathodiaphyseal dysplasia (GDD). Also called: GNATHODIAPHYSEAL SCLEROSIS; OSTEOGENESIS IMPERFECTA WITH UNUSUAL SKELETAL LESIONS. Identifiers: Orphanet 53697, MedGen C1833736, MONDO:0008151, OMIM 166260.
Autosomal recessive limb-girdle muscular dystrophy type 2L (LGMDR12). Also called: Limb-girdle muscular dystrophy, type 2L; Limb-Girdle Muscular Dystrophy R12 Anoctamin-5-Related (LGMD-R12); MUSCULAR DYSTROPHY, LIMB-GIRDLE, AUTOSOMAL RECESSIVE 12. Identifiers: Orphanet 206549, MedGen C1969785, MONDO:0012652, OMIM 611307.

Allele frequency attached by ClinVar (database versions not stated): gnomAD 0.04921; 1000 Genomes Project 0.05292; 1000 Genomes Project 30x 0.05590; TOPMed 0.05616.

Submissions (5):

Genome-Nilou Lab
Classification: Benign for Gnathodiaphyseal dysplasia. Last evaluated: 2021-12-05. Review status: criteria provided, single submitter. Criteria: ACMG Guidelines, 2015. Collection method: clinical testing. Allele origin: germline. Affected: no.

Genome-Nilou Lab
Classification: Benign for Miyoshi muscular dystrophy 3. Last evaluated: 2021-12-05. Review status: criteria provided, single submitter. Criteria: ACMG Guidelines, 2015. Collection method: clinical testing. Allele origin: germline. Affected: no.

Genome-Nilou Lab
Classification: Benign for Autosomal recessive limb-girdle muscular dystrophy type 2L. Last evaluated: 2021-12-05. Review status: criteria provided, single submitter. Criteria: ACMG Guidelines, 2015. Collection method: clinical testing. Allele origin: germline. Affected: no.

GeneDx
Classification: Benign. Last evaluated: 2021-05-11. Review status: criteria provided, single submitter. Criteria: GeneDx Variant Classification Process June 2021. Collection method: clinical testing. Allele origin: germline. Affected: yes.

Illumina Laboratory Services, Illumina
Classification: Benign for ANO5-Related Muscle Diseases. Last evaluated: 2018-01-12. Review status: criteria provided, single submitter. Criteria: ICSL Variant Classification Criteria 13 December 2019. Collection method: clinical testing. Allele origin: germline.
Comment: This variant was observed in the ICSL laboratory as part of a predisposition screen in an ostensibly healthy population. It had not been previously curated by ICSL or reported in the Human Gene Mutation Database (HGMD: prior to June 1st, 2018), and was therefore a candidate for classification through an automated scoring system. Utilizing variant allele frequency, disease prevalence and penetrance estimates, and inheritance mode, an automated score was calculated to assess if this variant is too frequent to cause the disease. Based on the score and internal cut-off values, a variant classified as benign is not then subjected to further curation. The score for this variant resulted in a classification of benign for this disease.

NM_213599.3(ANO5):c.*3152G>A

Gene: ANO5 (anoctamin 5; plus strand). Cytogenetic location: 11p14.3.
Variant type: single nucleotide variant.
Coding change: c.*3152G>A on transcript NM_213599.3 (MANE Select); 3152 bases downstream of the stop codon, G replaced by A.
Molecular consequence: 3 prime UTR variant.
Genome position (GRCh38, 1-based): chr11:22,282,917, G>A. VCF-style: chr11-22282917-G-A. GRCh37 (hg19) VCF-style: chr11-22304463-G-A.
Other names: c.*3152G>A (NM_001142649.2).
Identifiers: ClinVar variation 304160 (VCV000304160.9), dbSNP rs79486036, ClinGen allele CA10638210.